The following is an entry in ClinVar:

NM_020806.5(GPHN):c.1334C>T (p.Thr445Ile)

Gene: GPHN (gephyrin; plus strand). Cytogenetic location: 14q23.3.
Variant type: single nucleotide variant.
Coding change: c.1334C>T on transcript NM_020806.5 (MANE Select); coding-DNA position 1334, C replaced by T.
Protein change: p.Thr445Ile; replaces threonine 445 with isoleucine.
Molecular consequence: missense variant.
Genome position (GRCh38, 1-based): chr14:67,110,180, C>T. VCF-style: chr14-67110180-C-T. GRCh37 (hg19) VCF-style: chr14-67576897-C-T.
Other names: c.1235C>T, p.Thr412Ile (NM_001024218.2); c.1394C>T, p.Thr465Ile (NM_001377514.1); c.1364C>T, p.Thr455Ile (NM_001377515.1); c.1355C>T, p.Thr452Ile (NM_001377516.1); c.1307C>T, p.Thr436Ile (NM_001377517.1); c.1292C>T, p.Thr431Ile (NM_001377518.1); c.1274C>T, p.Thr425Ile (NM_001377519.1); short protein forms T436I, T452I, T465I, T412I, T431I, T455I, T425I, T445I.
Identifiers: ClinVar variation 1401778 (VCV001401778.8), dbSNP rs769253787, ClinGen allele CA7234062.
Genomic context (GRCh38, chr14:67,110,180, plus strand): 5'-TTTTTCATCTTTATTTCCAGCCAACTCAGACAGTAATGCCAGGACAAGTCATGCGGGTTA[C>T]AACAGGTGCTCCAATACCCTGCGGTGCTGATGCAGTAGTACAAGTGGAAGATACCGAACT-3'
Protein context (NP_065857.1, residues 435-455): TVMPGQVMRV[Thr445Ile]TGAPIPCGAD

ClinVar aggregate classification (germline): Uncertain significance (1 of 4 stars; one submission).

Conditions:
Sulfite oxidase deficiency due to molybdenum cofactor deficiency type C. Also called: Molybdenum cofactor deficiency, complementation group C; Molybdenum cofactor deficiency C. Identifiers: Orphanet 308400, Orphanet 833, MedGen C1854990, MONDO:0014212, OMIM 615501.

Allele frequency attached by ClinVar (database versions not stated): gnomAD exomes below 0.00001; ExAC 0.00001; gnomAD 0.00001.
gnomAD v4.1: 4 of 1,612,410 alleles (0.00025%); highest among the groups gnomAD compares: Non-Finnish European, 0.00034%; no homozygotes.

Submission:

Labcorp Genetics (formerly Invitae), Labcorp
Classification: Uncertain significance for Sulfite oxidase deficiency due to molybdenum cofactor deficiency type C. Last evaluated: 2020-11-04. Review status: criteria provided, single submitter. Criteria: Invitae Variant Classification Sherloc (09022015). Collection method: clinical testing. Allele origin: germline.
Comment: In summary, the available evidence is currently insufficient to determine the role of this variant in disease. Therefore, it has been classified as a Variant of Uncertain Significance. This variant has not been reported in the literature in individuals with GPHN-related conditions. The frequency data for this variant in the population databases is considered unreliable, as metrics indicate poor data quality at this position in the ExAC database. This sequence change replaces threonine with isoleucine at codon 445 of the GPHN protein (p.Thr445Ile). The threonine residue is moderately conserved and there is a moderate physicochemical difference between threonine and isoleucine. Algorithms developed to predict the effect of missense changes on protein structure and function are either unavailable or do not agree on the potential impact of this missense change (SIFT: "Deleterious"; PolyPhen-2: "Probably Damaging"; Align-GVGD: "Class C0").